The following is an entry in ClinVar:

NM_000080.4(CHRNE):c.744C>G (p.Ile248Met)

Genes: C17orf107 (chromosome 17 open reading frame 107; plus strand), CHRNE (cholinergic receptor nicotinic epsilon subunit; minus strand). Cytogenetic location: 17p13.2.
Variant type: single nucleotide variant.
Coding change: c.744C>G on transcript NM_000080.4 (MANE Select); coding-DNA position 744, C replaced by G.
Protein change: p.Ile248Met; replaces isoleucine 248 with methionine.
Molecular consequence: missense variant. On other transcripts: 3 prime UTR variant (1).
Genome position (GRCh38, 1-based): chr17:4,901,048, G>C on the plus strand (C>G on the coding strand, the complement: CHRNE is on the minus strand). VCF-style: chr17-4901048-G-C. GRCh37 (hg19) VCF-style: chr17-4804343-G-C.
Other names: c.*515G>C (NM_001145536.2); short protein forms I248M.
Identifiers: ClinVar variation 2998614 (VCV002998614.3), dbSNP rs1288770447, ClinGen allele CA397304886.

ClinVar aggregate classification (germline): Uncertain significance (1 of 4 stars; one submission).

Conditions:
Congenital myasthenic syndrome 4A. Also called: Myasthenic syndrome, congenital, 4a, slow-channel; MYASTHENIC SYNDROME, CONGENITAL, 4A, SLOW-CHANNEL, AUTOSOMAL RECESSIVE; CONGENITAL MYASTHENIC SYNDROME TYPE Ia1. Identifiers: Orphanet 590, MedGen C4225413, MONDO:0011600, OMIM 605809.

Allele frequency attached by ClinVar (database versions not stated): TOPMed below 0.00001.

Submission:

Labcorp Genetics (formerly Invitae), Labcorp
Classification: Uncertain significance for Congenital myasthenic syndrome 4A. Last evaluated: 2023-08-30. Review status: criteria provided, single submitter. Criteria: Invitae Variant Classification Sherloc (09022015). Collection method: clinical testing. Allele origin: germline.
Comment: In summary, the available evidence is currently insufficient to determine the role of this variant in disease. Therefore, it has been classified as a Variant of Uncertain Significance. This sequence change replaces isoleucine, which is neutral and non-polar, with methionine, which is neutral and non-polar, at codon 248 of the CHRNE protein (p.Ile248Met). This variant is not present in population databases (gnomAD no frequency). This variant has not been reported in the literature in individuals affected with CHRNE-related conditions. Advanced modeling of protein sequence and biophysical properties (such as structural, functional, and spatial information, amino acid conservation, physicochemical variation, residue mobility, and thermodynamic stability) has been performed at Invitae for this missense variant, however the output from this modeling did not meet the statistical confidence thresholds required to predict the impact of this variant on CHRNE protein function.